The following is an entry in ClinVar:

ClinVar aggregate classification (germline): Pathogenic (1 of 4 stars; one submission).

Conditions:
FOXC2-related disorder. Also called: FOXC2-related condition.

Allele frequency attached by ClinVar (database versions not stated): gnomAD exomes below 0.00001.
gnomAD v4.1: 1 of 1,254,362 alleles (0.00008%); highest among the groups gnomAD compares: Non-Finnish European, 0.0001%; no homozygotes.

Submission:

PreventionGenetics, part of Exact Sciences
Classification: Pathogenic for FOXC2-related condition. Last evaluated: 2023-04-19. Review status: criteria provided, single submitter. Criteria: ACMG Guidelines, 2015. Collection method: clinical testing. Allele origin: germline.
Comment: The FOXC2 c.943C>T variant is predicted to result in premature protein termination (p.Gln315*). This variant has been reported in the de novo state in an individual with sporadic nonimmune hydrops fetalis (Patient 3, Ghalamkarpour et al. 2009. PubMed ID: 19394045; Mendola et al. 2013. PubMed ID: 24167460). This variant has not been reported in a large population database, indicating this variant is rare. Nonsense variants in FOXC2 are expected to be pathogenic. This variant is interpreted as pathogenic.

NM_005251.3(FOXC2):c.943C>T (p.Gln315Ter)

Gene: FOXC2 (forkhead box C2; plus strand). Cytogenetic location: 16q24.1.
Variant type: single nucleotide variant.
Coding change: c.943C>T on transcript NM_005251.3 (MANE Select); coding-DNA position 943, C replaced by T.
Protein change: p.Gln315Ter; replaces glutamine 315 with a stop codon.
Molecular consequence: nonsense.
Genome position (GRCh38, 1-based): chr16:86,568,278, C>T. VCF-style: chr16-86568278-C-T. GRCh37 (hg19) VCF-style: chr16-86601884-C-T.
Other names: short protein forms Q315*.
Identifiers: ClinVar variation 2632840 (VCV002632840.1), dbSNP rs2507945700, ClinGen allele CA397009117.
Genomic context (GRCh38, chr16:86,568,278, plus strand): 5'-GGCCTGGTGGTGCCGCCGCTGGCGCTGCCCTACGCCGCCGCGCCGCCCGCCGCCTACGGC[C>T]AGCCGTGCGCTCAGGGCCTGGAGGCCGGGGCCGCCGGGGGCTACCAGTGCAGCATGCGAG-3'